The following is an entry in ClinVar:

NM_144499.3(GNAT1):c.708+6T>C

Gene: GNAT1 (G protein subunit alpha transducin 1; plus strand). Cytogenetic location: 3p21.31.
Variant type: single nucleotide variant.
Coding change: c.708+6T>C on transcript NM_144499.3 (MANE Select); 6 bases into the intron after coding-DNA position 708, T replaced by C.
Molecular consequence: intron variant.
Genome position (GRCh38, 1-based): chr3:50,194,227, T>C. VCF-style: chr3-50194227-T-C. GRCh37 (hg19) VCF-style: chr3-50231660-T-C.
Other names: c.708+6T>C (NM_000172.4).
Identifiers: ClinVar variation 3648377 (VCV003648377.2).

ClinVar aggregate classification (germline): Uncertain significance (1 of 4 stars; one submission).

Submission:

Labcorp Genetics (formerly Invitae), Labcorp
Classification: Uncertain significance. Last evaluated: 2024-04-29. Review status: criteria provided, single submitter. Criteria: Invitae Variant Classification Sherloc (09022015). Collection method: clinical testing. Allele origin: germline.
Comment: This sequence change falls in intron 6 of the GNAT1 gene. It does not directly change the encoded amino acid sequence of the GNAT1 protein. It affects a nucleotide within the consensus splice site. This variant is not present in population databases (gnomAD no frequency). This variant has not been reported in the literature in individuals affected with GNAT1-related conditions. Variants that disrupt the consensus splice site are a relatively common cause of aberrant splicing (PMID: 17576681, 9536098). Algorithms developed to predict the effect of sequence changes on RNA splicing suggest that this variant may disrupt the consensus splice site. In summary, the available evidence is currently insufficient to determine the role of this variant in disease. Therefore, it has been classified as a Variant of Uncertain Significance.

Literature cited by the submitters: PubMed 17576681; PubMed 9536098.